The following is an entry in ClinVar:

ClinVar aggregate classification (germline): Uncertain significance (1 of 4 stars; one submission).

gnomAD v4.1: 2 of 1,613,850 alleles (0.00012%); highest among the groups gnomAD compares: Non-Finnish European, 0.00017%; no homozygotes.

Submission:

GeneDx
Classification: Uncertain significance. Last evaluated: 2025-05-10. Review status: criteria provided, single submitter. Criteria: GeneDx Variant Classification Process June 2021. Collection method: clinical testing. Allele origin: germline. Affected: yes.
Comment: Not observed at significant frequency in large population cohorts (gnomAD); In silico analysis suggests that this missense variant does not alter protein structure/function; Has not been previously published as pathogenic or benign to our knowledge

NM_001205254.2(OCLN):c.769T>G (p.Phe257Val)

Gene: OCLN (occludin; plus strand). Cytogenetic location: 5q13.2.
Variant type: single nucleotide variant.
Coding change: c.769T>G on transcript NM_001205254.2 (MANE Select); coding-DNA position 769, T replaced by G.
Protein change: p.Phe257Val; replaces phenylalanine 257 with valine.
Molecular consequence: missense variant. On other transcripts: intron variant (2).
Genome position (GRCh38, 1-based): chr5:69,513,987, T>G. VCF-style: chr5-69513987-T-G. GRCh37 (hg19) VCF-style: chr5-68809814-T-G.
Other names: c.16T>G, p.Phe6Val (NM_001205255.2); c.769T>G, p.Phe257Val (NM_001438604.1, NM_002538.4); c.729+4168T>G (NM_001410743.1, NM_001438048.1); short protein forms F257V, F6V.
Identifiers: ClinVar variation 4527342 (VCV004527342.1).
Genomic context (GRCh38, chr5:69,513,987, plus strand): 5'-ATATTTTCCACTCCTTTTTAGGCCATTGCCATTGTACTGGGGTTCATGATTATTGTGGCT[T>G]TTGCTTTAATAATTTTCTTTGCTGTGAAAACTCGAAGAAAGATGGACAGGTATGACAAGT-3'
Protein context (NP_001192183.1, residues 247-267): IVLGFMIIVA[Phe257Val]ALIIFFAVKT